The following is an entry in ClinVar:

NM_000154.2(GALK1):c.205A>T (p.Lys69Ter)

Gene: GALK1 (galactokinase 1; minus strand). Cytogenetic location: 17q25.1.
Variant type: single nucleotide variant.
Coding change: c.205A>T on transcript NM_000154.2 (MANE Select); coding-DNA position 205, A replaced by T.
Protein change: p.Lys69Ter; replaces lysine 69 with a stop codon.
Molecular consequence: nonsense.
Genome position (GRCh38, 1-based): chr17:75,764,047, T>A on the plus strand (A>T on the coding strand, the complement: GALK1 is on the minus strand). VCF-style: chr17-75764047-T-A. GRCh37 (hg19) VCF-style: chr17-73760128-T-A.
Other names: c.205A>T, p.Lys69Ter (NM_001381985.1); short protein forms K69*.
Identifiers: ClinVar variation 1726912 (VCV001726912.2), dbSNP rs1599336146, ClinGen allele CA401107497.

ClinVar aggregate classification (germline): Likely pathogenic (1 of 4 stars; one submission).

Conditions:
Deficiency of galactokinase. Also called: GALACTOSEMIA II; Galactokinase deficiency with cataracts. Identifiers: Orphanet 352, Orphanet 79237, MedGen C0268155, MONDO:0009255, OMIM 230200.

Submission:

Myriad Genetics, Inc.
Classification: Likely pathogenic for Deficiency of galactokinase. Last evaluated: 2022-01-02. Review status: criteria provided, single submitter. Criteria: Myriad Women's Health Autosomal Recessive and X-Linked Classification Criteria (2021). Collection method: clinical testing. Allele origin: unknown.
Comment: NM_000154.1(GALK1):c.205A>T(K69*) is expected to be pathogenic in the context of galactokinase deficiency. This variant is predicted to lead to an abnormal or absent protein product due to the creation of a premature termination codon in GALK1, a gene where loss-of-function variants are known to be pathogenic. Please note: this variant was assessed in the context of healthy population screening.